The following is an entry in ClinVar:

ClinVar aggregate classification (germline): Likely pathogenic. Review status: criteria provided, multiple submitters, no conflicts (2 of 4 stars). 2 submissions from 2 submitters: Likely pathogenic (2). Last evaluated 2025-01-27.

Conditions:
Bethlem myopathy 1C (BTHLM1C). Identifiers: MedGen C5935581, MONDO:0958234, OMIM 620726.
Dystonia 27 (DYT27). Identifiers: Orphanet 464440, MedGen C4225336, MONDO:0014627, OMIM 616411.
Ullrich congenital muscular dystrophy 1C (UCMD1C). Identifiers: MedGen C5935583, MONDO:0958236, OMIM 620728.

gnomAD v4.1: 1 of 1,613,248 alleles (0.000062%); highest among the groups gnomAD compares: Non-Finnish European, 0.000085%; no homozygotes.

Submissions (2):

First Genomix Gene Laboratory, Genetic Diagnostics Department
Classification: Likely pathogenic for Bethlem myopathy 1C; Dystonia 27; Ullrich congenital muscular dystrophy 1C. Last evaluated: 2025-01-27. Review status: criteria provided, single submitter. Criteria: ACMG Guidelines, 2015. Collection method: clinical testing. Allele origin: germline. Inheritance: Autosomal recessive inheritance. Affected: no. Observed: 1 variant allele.

Revvity Omics, Revvity
Classification: Likely pathogenic. Last evaluated: 2024-08-30. Review status: criteria provided, single submitter. Criteria: ACMG Guidelines, 2015. Collection method: clinical testing. Allele origin: germline.

NM_004369.4(COL6A3):c.3071-2A>G

Gene: COL6A3 (collagen type VI alpha 3 chain; minus strand). Cytogenetic location: 2q37.3.
Variant type: single nucleotide variant.
Coding change: c.3071-2A>G on transcript NM_004369.4 (MANE Select); the canonical splice acceptor site of the intron before coding-DNA position 3071, A replaced by G.
Molecular consequence: splice acceptor variant.
Genome position (GRCh38, 1-based): chr2:237,375,022, T>C on the plus strand (A>G on the coding strand, the complement: COL6A3 is on the minus strand). VCF-style: chr2-237375022-T-C. GRCh37 (hg19) VCF-style: chr2-238283665-T-C.
Other names: c.1250-2A>G (NM_057166.5); c.2453-2A>G (NM_057167.4, NM_057165.5); c.1850-2A>G (NM_057164.5).
Identifiers: ClinVar variation 4081277 (VCV004081277.2).